The following is an entry in ClinVar:

ClinVar aggregate classification (germline): Benign/Likely benign. Review status: criteria provided, multiple submitters, no conflicts (2 of 4 stars). 6 submissions from 6 submitters: Benign (2); Likely benign (3). 1 of the submissions does not count toward it. Last evaluated 2026-02-01.

Conditions:
Xeroderma pigmentosum, group C (XPC). Also called: XPC-Related Xeroderma Pigmentosum; Xeroderma pigmentosum, complementation group C; XERODERMA PIGMENTOSUM III; XP, GROUP C. Identifiers: Orphanet 910, MedGen C2752147, MONDO:0010211, OMIM 278720.
XPC-related disorder. Also called: XPC-related condition.

Allele frequency attached by ClinVar (database versions not stated): gnomAD exomes 0.00092 and 0.00248; ExAC 0.00299; ESP Exome Variant Server 0.00951; gnomAD 0.01011 and 0.01075; 1000 Genomes Project 0.01078; TOPMed 0.01155; 1000 Genomes Project 30x 0.01265.
gnomAD v4.1: 2,969 of 1,612,842 alleles (0.18%); highest among the groups gnomAD compares: African/African-American, 3.4%; 51 homozygotes.

Submissions (6):

Labcorp Genetics (formerly Invitae), Labcorp
Classification: Benign. Last evaluated: 2026-02-01. Review status: criteria provided, single submitter. Criteria: Invitae Variant Classification Sherloc (09022015). Collection method: clinical testing. Allele origin: germline.

Fulgent Genetics
Classification: Likely benign for Xeroderma pigmentosum, group C. Last evaluated: 2022-05-04. Review status: criteria provided, single submitter. Criteria: ACMG Guidelines, 2015. Collection method: clinical testing. Allele origin: unknown.

Genome-Nilou Lab
Classification: Benign for Xeroderma pigmentosum, group C. Last evaluated: 2021-12-05. Review status: criteria provided, single submitter. Criteria: ACMG Guidelines, 2015. Collection method: clinical testing. Allele origin: germline. Affected: no.

GeneDx
Classification: Likely benign. Last evaluated: 2020-12-11. Review status: criteria provided, single submitter. Criteria: GeneDx Variant Classification Process June 2021. Collection method: clinical testing. Allele origin: germline. Affected: yes.

Breakthrough Genomics
Classification: Likely benign. Review status: criteria provided, single submitter. Criteria: ACMG Guidelines, 2015. Collection method: not provided. Allele origin: germline. Inheritance: Autosomal recessive inheritance. Affected: yes.

PreventionGenetics, part of Exact Sciences
Classification: Benign for XPC-related condition. Last evaluated: 2019-05-28. Review status: no assertion criteria provided. Collection method: clinical testing. Allele origin: germline. Not counted in ClinVar's aggregate classification.
Comment: This variant is classified as benign based on ACMG/AMP sequence variant interpretation guidelines (Richards et al. 2015 PMID: 25741868, with internal and published modifications).

NM_004628.5(XPC):c.1362T>C (p.Asp454=)

Gene: XPC (XPC complex subunit, DNA damage recognition and repair factor; minus strand). Cytogenetic location: 3p25.1.
Variant type: single nucleotide variant.
Coding change: c.1362T>C on transcript NM_004628.5 (MANE Select); coding-DNA position 1362, T replaced by C.
Protein change: p.Asp454=; no amino-acid change (aspartic acid 454 retained).
Molecular consequence: synonymous variant. On other transcripts: non-coding transcript variant (2).
Genome position (GRCh38, 1-based): chr3:14,158,521, A>G on the plus strand (T>C on the coding strand, the complement: XPC is on the minus strand). VCF-style: chr3-14158521-A-G. GRCh37 (hg19) VCF-style: chr3-14200021-A-G.
Other names: c.783T>C, p.Asp261= (NM_001354726.2); c.1362T>C, p.Asp454= (NM_001354727.2, NM_001354730.2); c.1344T>C, p.Asp448= (NM_001354729.2).
Identifiers: ClinVar variation 695561 (VCV000695561.18), dbSNP rs3731128, ClinGen allele CA2267447.